The following is an entry in ClinVar:

ClinVar aggregate classification (germline): Uncertain significance (1 of 4 stars; one submission).

Allele frequency attached by ClinVar (database versions not stated): gnomAD 0.00003; TOPMed 0.00003.
gnomAD v4.1: 19 of 1,614,084 alleles (0.0012%); highest among the groups gnomAD compares: Non-Finnish European, 0.0016%; no homozygotes.

Submission:

Labcorp Genetics (formerly Invitae), Labcorp
Classification: Uncertain significance. Last evaluated: 2023-10-23. Review status: criteria provided, single submitter. Criteria: Invitae Variant Classification Sherloc (09022015). Collection method: clinical testing. Allele origin: germline.
Comment: This sequence change replaces arginine, which is basic and polar, with cysteine, which is neutral and slightly polar, at codon 687 of the NFKB1 protein (p.Arg687Cys). This variant is present in population databases (no rsID available, gnomAD 0.0009%). This variant has not been reported in the literature in individuals affected with NFKB1-related conditions. Advanced modeling of protein sequence and biophysical properties (such as structural, functional, and spatial information, amino acid conservation, physicochemical variation, residue mobility, and thermodynamic stability) performed at Invitae indicates that this missense variant is not expected to disrupt NFKB1 protein function. In summary, the available evidence is currently insufficient to determine the role of this variant in disease. Therefore, it has been classified as a Variant of Uncertain Significance.

NM_003998.4(NFKB1):c.2059C>T (p.Arg687Cys)

Gene: NFKB1 (nuclear factor kappa B subunit 1; plus strand). Cytogenetic location: 4q24.
Variant type: single nucleotide variant.
Coding change: c.2059C>T on transcript NM_003998.4 (MANE Select); coding-DNA position 2059, C replaced by T.
Protein change: p.Arg687Cys; replaces arginine 687 with cysteine.
Molecular consequence: missense variant.
Genome position (GRCh38, 1-based): chr4:102,607,254, C>T. VCF-style: chr4-102607254-C-T. GRCh37 (hg19) VCF-style: chr4-103528411-C-T.
Other names: c.2056C>T, p.Arg686Cys (NM_001165412.2, NM_001319226.2, NM_001382627.1); c.2059C>T, p.Arg687Cys (NM_001382625.1, NM_001382626.1); c.2017C>T, p.Arg673Cys (NM_001382628.1); short protein forms R687C, R686C, R673C.
Identifiers: ClinVar variation 2999205 (VCV002999205.3), dbSNP rs1355627768, ClinGen allele CA357752498.